The following is an entry in ClinVar:

ClinVar aggregate classification (germline): Pathogenic (1 of 4 stars; one submission).

Submission:

Labcorp Genetics (formerly Invitae), Labcorp
Classification: Pathogenic. Last evaluated: 2020-11-11. Review status: criteria provided, single submitter. Criteria: Invitae Variant Classification Sherloc (09022015). Collection method: clinical testing. Allele origin: germline.
Comment: For these reasons, this variant has been classified as Pathogenic. This variant has not been reported in the literature in individuals with ERCC8-related conditions. This variant is not present in population databases (ExAC no frequency). This sequence change creates a premature translational stop signal (p.Asn276Metfs*7) in the ERCC8 gene. It is expected to result in an absent or disrupted protein product. Loss-of-function variants in ERCC8 are known to be pathogenic (PMID: 29572252).

Literature cited by the submitters: PubMed 29572252.

NM_000082.4(ERCC8):c.825del (p.Asn276fs)

Gene: ERCC8 (ERCC excision repair 8, CSA ubiquitin ligase complex subunit; minus strand). Cytogenetic location: 5q12.1.
Variant type: Deletion.
Coding change: c.825del on transcript NM_000082.4 (MANE Select); coding-DNA position 825, one base deleted (C; older notation c.825delC).
Protein change: p.Asn276fs; shifts the reading frame from asparagine 276.
Molecular consequence: frameshift variant.
Genome position (GRCh38, 1-based): chr5:60,898,294, G deleted on the plus strand (C on the coding strand, the reverse complement: ERCC8 is on the minus strand); the first of 2 consecutive G bases (chr5:60,898,294-60,898,295); deleting either gives the same sequence. VCF-style (leftmost placement, unchanged base first): chr5-60898293-TG-T. GRCh37 (hg19) VCF-style: chr5-60194120-TG-T.
Other names: c.651del, p.Asn218fs (NM_001007233.3); c.366del, p.Asn123fs (NM_001290285.2); short protein forms N123fs, N218fs, N276fs.
Identifiers: ClinVar variation 1357030 (VCV001357030.6), dbSNP rs2112485870, ClinGen allele CA2573139744.